The following is an entry in ClinVar:

NM_015650.4(TRAF3IP1):c.575G>A (p.Arg192His)

Gene: TRAF3IP1 (TRAF3 interacting protein 1; plus strand). Cytogenetic location: 2q37.3.
Variant type: single nucleotide variant.
Coding change: c.575G>A on transcript NM_015650.4 (MANE Select); coding-DNA position 575, G replaced by A.
Protein change: p.Arg192His; replaces arginine 192 with histidine.
Molecular consequence: missense variant.
Genome position (GRCh38, 1-based): chr2:238,329,002, G>A. VCF-style: chr2-238329002-G-A. GRCh37 (hg19) VCF-style: chr2-239237643-G-A.
Other names: c.575G>A, p.Arg192His (NM_001139490.1); c.575G>A (NM_015650.3); short protein forms R192H.
Identifiers: ClinVar variation 1479759 (VCV001479759.8), dbSNP rs1039895833, ClinGen allele CA67979982.

ClinVar aggregate classification (germline): Uncertain significance. Review status: criteria provided, multiple submitters, no conflicts (2 of 4 stars). 2 submissions from 2 submitters: Uncertain significance (2). Last evaluated 2025-06-18.

Conditions:
Inborn genetic diseases. Identifiers: MedGen C0950123, MeSH D030342.

Allele frequency attached by ClinVar (database versions not stated): gnomAD 0.00001; gnomAD exomes 0.00002.
gnomAD v4.1: 10 of 1,551,470 alleles (0.00064%); highest among the groups gnomAD compares: East Asian, 0.0073%; no homozygotes.

Submissions (2):

Ambry Genetics
Classification: Uncertain significance for Inborn genetic diseases. Last evaluated: 2025-06-18. Review status: criteria provided, single submitter. Criteria: Ambry Variant Classification Scheme 2023. Collection method: clinical testing. Allele origin: germline.

Labcorp Genetics (formerly Invitae), Labcorp
Classification: Uncertain significance. Last evaluated: 2024-07-22. Review status: criteria provided, single submitter. Criteria: Invitae Variant Classification Sherloc (09022015). Collection method: clinical testing. Allele origin: germline.
Comment: This sequence change replaces arginine, which is basic and polar, with histidine, which is basic and polar, at codon 192 of the TRAF3IP1 protein (p.Arg192His). This variant is present in population databases (no rsID available, gnomAD 0.03%). This variant has not been reported in the literature in individuals affected with TRAF3IP1-related conditions. ClinVar contains an entry for this variant (Variation ID: 1479759). Advanced modeling of protein sequence and biophysical properties (such as structural, functional, and spatial information, amino acid conservation, physicochemical variation, residue mobility, and thermodynamic stability) performed at Invitae indicates that this missense variant is not expected to disrupt TRAF3IP1 protein function with a negative predictive value of 80%. In summary, the available evidence is currently insufficient to determine the role of this variant in disease. Therefore, it has been classified as a Variant of Uncertain Significance.